The following is an entry in ClinVar:

ClinVar aggregate classification (germline): Benign. Review status: criteria provided, multiple submitters, no conflicts (2 of 4 stars). 2 submissions from 2 submitters: Benign (2). Last evaluated 2024-07-31.

Allele frequency attached by ClinVar (database versions not stated): 1000 Genomes Project 0.73423; 1000 Genomes Project 30x 0.73969; ESP Exome Variant Server 0.76538; gnomAD 0.77337 and 0.77642; gnomAD exomes 0.77850.

Submissions (2):

Unidad de Genómica Garrahan, Hospital de Pediatría Garrahan
Classification: Benign. Last evaluated: 2024-07-31. Review status: criteria provided, single submitter. Criteria: ACMG Guidelines, 2015. Collection method: clinical testing. Allele origin: germline. Affected: no. Observed: 87 variant alleles.
Comment: This variant is classified as Benign based on local population frequency. This variant was detected in 94% of patients studied in a panel designed for Epileptic and Developmental Encephalopathy, Progressive Myoclonus Epilepsy and Abnormal Movements and Neurodegeneration with brain iron accumulation. Number of patients: 87. Only high quality variants are reported.

GeneDx
Classification: Benign. Last evaluated: 2021-03-15. Review status: criteria provided, single submitter. Criteria: GeneDx Variant Classification Process June 2021. Collection method: clinical testing. Allele origin: germline. Affected: yes.

NM_001082971.2(DDC):c.1041+52del

Gene: DDC (dopa decarboxylase; minus strand). Cytogenetic location: 7p12.2.
Variant type: Deletion.
Coding change: c.1041+52del on transcript NM_001082971.2 (MANE Select); 52 bases into the intron after coding-DNA position 1041, one base deleted (C; older notation c.1041+52delC).
Molecular consequence: intron variant.
Genome position (GRCh38, 1-based): chr7:50,476,572, G deleted on the plus strand (C on the coding strand, the reverse complement: DDC is on the minus strand). VCF-style (leftmost placement, unchanged base first): chr7-50476571-AG-A. GRCh37 (hg19) VCF-style: chr7-50544269-AG-A.
Other names: c.807+52del (NM_001242888.2); c.927+52del (NM_001242886.2); c.762+52del (NM_001242889.2); c.897+52del (NM_001242887.2); c.1041+52del (NM_000790.4).
Identifiers: ClinVar variation 1280930 (VCV001280930.3), dbSNP rs5884156, ClinGen allele CA158225523.